The following is an entry in ClinVar:

NM_001083962.2(TCF4):c.922+2T>G

Genes: TCF4 (transcription factor 4; minus strand), LOC126862757 (CDK7 strongly-dependent group 2 enhancer GRCh37_chr18:52936433-52937632; plus strand). Cytogenetic location: 18q21.2.
Variant type: single nucleotide variant.
Coding change: c.922+2T>G on transcript NM_001083962.2 (MANE Select); the canonical splice donor site of the intron after coding-DNA position 922, T replaced by G.
Molecular consequence: splice donor variant.
Genome position (GRCh38, 1-based): chr18:55,269,829, A>C on the plus strand (T>G on the coding strand, the complement: TCF4 is on the minus strand). VCF-style: chr18-55269829-A-C. GRCh37 (hg19) VCF-style: chr18-52937060-A-C.
Other names: c.922+2T>G (NM_003199.3, NM_001369571.1, NM_001369567.1 and 4 more transcripts); c.847+2T>G (NM_001369581.1, NM_001348220.1, NM_001369584.1 and 3 more transcripts); c.850+2T>G (NM_001369580.1, NM_001348219.2, NM_001348218.2 and 9 more transcripts); c.796+2T>G (NM_001243231.2, NM_001348211.2); c.532+2T>G (NM_001348212.2, NM_001348213.2, NM_001243233.2 and 1 more transcripts); c.442+2T>G (NM_001348214.2, NM_001243235.2, NM_001243234.2 and 2 more transcripts); c.274+2T>G (NM_001348215.2); c.709+2T>G (NM_001306208.1, NM_001243232.1); and 4 more.
Identifiers: ClinVar variation 5018748 (VCV005018748.1).

ClinVar aggregate classification (germline): Likely pathogenic (1 of 4 stars; one submission).

Conditions:
Pitt-Hopkins syndrome (PTHS). Also called: ENCEPHALOPATHY, SEVERE EPILEPTIC, WITH AUTONOMIC DYSFUNCTION; MENTAL RETARDATION, SYNDROMAL, WITH INTERMITTENT HYPERVENTILATION. Identifiers: Orphanet 2896, MedGen C1970431, MONDO:0012589, OMIM 610954.
Corneal dystrophy, Fuchs endothelial, 3 (FECD3). Also called: FCD2 LOCUS. Identifiers: Orphanet 98974, MedGen C2750451, MONDO:0013203, OMIM 613267.

Submission:

Juno Genomics, Hangzhou Juno Genomics, Inc
Classification: Likely pathogenic for Corneal dystrophy, Fuchs endothelial, 3; Pitt-Hopkins syndrome. Review status: criteria provided, single submitter. Criteria: ACMG Guidelines, 2015. Collection method: clinical testing. Allele origin: germline. Affected: yes.
Comment: Absent from controls (or at extremely low frequency if recessive) in Genome Aggregation Database.;Null variant in a gene where loss of function (LOF) is a known mechanism of disease.